The following is an entry in ClinVar:

ClinVar aggregate classification (germline): Uncertain significance (1 of 4 stars; one submission).

Allele frequency attached by ClinVar (database versions not stated): ExAC 0.00002; gnomAD exomes 0.00002; gnomAD 0.00003.
gnomAD v4.1: 16 of 1,613,792 alleles (0.00099%); highest among the groups gnomAD compares: South Asian, 0.016%; 1 homozygote.

Submission:

Labcorp Genetics (formerly Invitae), Labcorp
Classification: Uncertain significance. Last evaluated: 2021-08-27. Review status: criteria provided, single submitter. Criteria: Invitae Variant Classification Sherloc (09022015). Collection method: clinical testing. Allele origin: germline.
Comment: This sequence change replaces histidine with aspartic acid at codon 1511 of the CDH23 protein (p.His1511Asp). The histidine residue is highly conserved and there is a moderate physicochemical difference between histidine and aspartic acid. This variant is present in population databases (rs776890902, ExAC 0.02%). This variant has not been reported in the literature in individuals affected with CDH23-related conditions. Algorithms developed to predict the effect of missense changes on protein structure and function are either unavailable or do not agree on the potential impact of this missense change (SIFT: "Deleterious"; PolyPhen-2: "Not Available"; Align-GVGD: "Class C65"). In summary, the available evidence is currently insufficient to determine the role of this variant in disease. Therefore, it has been classified as a Variant of Uncertain Significance.

NM_022124.6(CDH23):c.4531C>G (p.His1511Asp)

Gene: CDH23 (cadherin related 23; plus strand). Cytogenetic location: 10q22.1.
Variant type: single nucleotide variant.
Coding change: c.4531C>G on transcript NM_022124.6 (MANE Select); coding-DNA position 4531, C replaced by G.
Protein change: p.His1511Asp; replaces histidine 1511 with aspartic acid.
Molecular consequence: missense variant.
Genome position (GRCh38, 1-based): chr10:71,740,864, C>G. VCF-style: chr10-71740864-C-G. GRCh37 (hg19) VCF-style: chr10-73500621-C-G.
Other names: short protein forms H1511D.
Identifiers: ClinVar variation 2177567 (VCV002177567.1), dbSNP rs776890902, ClinGen allele CA5545084.